The following is an entry in ClinVar:

ClinVar aggregate classification (germline): Benign. Review status: criteria provided, single submitter (1 of 4 stars). 2 submissions from 2 submitters: Benign (1). 1 of the submissions does not count toward it. Last evaluated 2022-03-24.

Conditions:
SLC44A1-related disorder. Also called: SLC44A1-related condition.

gnomAD v4.1: 6,665 of 1,565,826 alleles (0.43%); highest among the groups gnomAD compares: African/African-American, 7.7%; 215 homozygotes.

Submissions (2):

Mayo Clinic Laboratories, Mayo Clinic
Classification: Benign. Last evaluated: 2022-03-24. Review status: criteria provided, single submitter. Criteria: ACMG Guidelines, 2015. Collection method: clinical testing. Allele origin: germline. Observed: 8 variant alleles.

PreventionGenetics, part of Exact Sciences
Classification: Benign for SLC44A1-related condition. Last evaluated: 2024-06-20. Review status: no assertion criteria provided. Collection method: clinical testing. Allele origin: germline. Not counted in ClinVar's aggregate classification.
Comment: This variant is classified as benign based on ACMG/AMP sequence variant interpretation guidelines (Richards et al. 2015 PMID: 25741868, with internal and published modifications).

NM_080546.5(SLC44A1):c.126+7A>G

Genes: SLC44A1 (solute carrier family 44 member 1; plus strand), LOC126860714 (CDK7 strongly-dependent group 2 enhancer GRCh37_chr9:108061257-108062456; plus strand). Cytogenetic location: 9q31.1.
Variant type: single nucleotide variant.
Coding change: c.126+7A>G on transcript NM_080546.5 (MANE Select); 7 bases into the intron after coding-DNA position 126, A replaced by G.
Molecular consequence: intron variant.
Genome position (GRCh38, 1-based): chr9:105,299,316, A>G. VCF-style: chr9-105299316-A-G. GRCh37 (hg19) VCF-style: chr9-108061597-A-G.
Other names: p.?; c.126+7A>G (NM_001330731.2, NM_001286730.2).
Identifiers: ClinVar variation 3345165 (VCV003345165.2).
Genomic context (GRCh38, chr9:105,299,316, plus strand): 5'-AGCTGCACAGACATACCATGGCTGCTGCTCTTCATCCTCTTCTGCATTGGGATGGTAAGG[A>G]AACTCTCACAGATGGTCCAAACTGGACTCATGATCCAAGGGAATGACGAGTAGTTGTTTT-3'